The following is an entry in ClinVar:

ClinVar aggregate classification (germline): Uncertain significance (1 of 4 stars; one submission).

Submission:

Labcorp Genetics (formerly Invitae), Labcorp
Classification: Uncertain significance. Last evaluated: 2025-08-07. Review status: criteria provided, single submitter. Criteria: Invitae Variant Classification Sherloc (09022015). Collection method: clinical testing. Allele origin: germline.
Comment: This sequence change replaces glycine, which is neutral and non-polar, with serine, which is neutral and polar, at codon 491 of the MSH3 protein (p.Gly491Ser). This variant is not present in population databases (gnomAD no frequency). This variant has not been reported in the literature in individuals affected with MSH3-related conditions. ClinVar contains an entry for this variant (Variation ID: 1368359). An algorithm developed to predict the effect of missense changes on protein structure and function outputs the following: PolyPhen-2: "Benign". The serine amino acid residue is found in multiple mammalian species, which suggests that this missense change does not adversely affect protein function. In summary, the available evidence is currently insufficient to determine the role of this variant in disease. Therefore, it has been classified as a Variant of Uncertain Significance.

NM_002439.5(MSH3):c.1471G>A (p.Gly491Ser)

Gene: MSH3 (mutS homolog 3; plus strand). Cytogenetic location: 5q14.1.
Variant type: single nucleotide variant.
Coding change: c.1471G>A on transcript NM_002439.5 (MANE Select); coding-DNA position 1471, G replaced by A.
Protein change: p.Gly491Ser; replaces glycine 491 with serine.
Molecular consequence: missense variant.
Genome position (GRCh38, 1-based): chr5:80,728,868, G>A. VCF-style: chr5-80728868-G-A. GRCh37 (hg19) VCF-style: chr5-80024687-G-A.
Other names: short protein forms G491S.
Identifiers: ClinVar variation 1368359 (VCV001368359.6), dbSNP rs1408304849, ClinGen allele CA360274175.